The following is an entry in ClinVar:

ClinVar aggregate classification (germline): Uncertain significance. Review status: criteria provided, multiple submitters, no conflicts (2 of 4 stars). 2 submissions from 2 submitters: Uncertain significance (2). Last evaluated 2021-09-13.

Allele frequency attached by ClinVar (database versions not stated): ESP Exome Variant Server 0.00008.
gnomAD v4.1: 4 of 1,613,172 alleles (0.00025%); highest among the groups gnomAD compares: African/African-American, 0.0027%; no homozygotes.

Submissions (2):

Revvity Omics, Revvity
Classification: Uncertain significance. Last evaluated: 2021-09-13. Review status: criteria provided, single submitter. Criteria: ACMG Guidelines, 2015. Collection method: clinical testing. Allele origin: germline.

GeneDx
Classification: Uncertain significance. Last evaluated: 2020-06-15. Review status: criteria provided, single submitter. Criteria: GeneDx Variant Classification Process June 2021. Collection method: clinical testing. Allele origin: germline. Affected: yes.
Comment: Not observed in large population cohorts (Lek et al., 2016); Missense variant in a gene in which most reported pathogenic variants are truncating/loss-of-function; Has not been previously published as pathogenic or benign to our knowledge

NM_001267550.2(TTN):c.65185G>C (p.Glu21729Gln)

Genes: TTN-AS1 (TTN antisense RNA 1; plus strand), TTN (titin; minus strand). Cytogenetic location: 2q31.2.
Variant type: single nucleotide variant.
Coding change: c.65185G>C on transcript NM_001267550.2 (MANE Select); coding-DNA position 65185, G replaced by C.
Protein change: p.Glu21729Gln; replaces glutamic acid 21729 with glutamine.
Molecular consequence: missense variant.
Genome position (GRCh38, 1-based): chr2:178,584,366, C>G on the plus strand (G>C on the coding strand, the complement: TTN is on the minus strand). VCF-style: chr2-178584366-C-G. GRCh37 (hg19) VCF-style: chr2-179449093-C-G.
Other names: c.60262G>C, p.Glu20088Gln (NM_001256850.1); c.37990G>C, p.Glu12664Gln (NM_003319.4); c.57481G>C, p.Glu19161Gln (NM_133378.4); c.38365G>C, p.Glu12789Gln (NM_133432.3); c.38566G>C, p.Glu12856Gln (NM_133437.4); short protein forms E12664Q, E12789Q, E12856Q, E19161Q, E20088Q, E21729Q.
Identifiers: ClinVar variation 1218207 (VCV001218207.6), dbSNP rs375439506, ClinGen allele CA60961780.